The following is an entry in ClinVar:

ClinVar aggregate classification (germline): Uncertain significance (1 of 4 stars; one submission).

Conditions:
Neuronal ceroid lipofuscinosis. Also called: Neuronal Ceroid Lipofuscinoses. Identifiers: Orphanet 216, Orphanet 79263, MedGen C0027877, MONDO:0016295. Disease mechanism: loss of function.

Submission:

Labcorp Genetics (formerly Invitae), Labcorp
Classification: Uncertain significance for Neuronal ceroid lipofuscinosis. Last evaluated: 2022-04-10. Review status: criteria provided, single submitter. Criteria: Invitae Variant Classification Sherloc (09022015). Collection method: clinical testing. Allele origin: germline.
Comment: In summary, the available evidence is currently insufficient to determine the role of this variant in disease. Therefore, it has been classified as a Variant of Uncertain Significance. Algorithms developed to predict the effect of missense changes on protein structure and function are either unavailable or do not agree on the potential impact of this missense change (SIFT: "Deleterious"; PolyPhen-2: "Probably Damaging"; Align-GVGD: "Class C0"). This variant has not been reported in the literature in individuals affected with CLN5-related conditions. This variant is not present in population databases (gnomAD no frequency). This sequence change replaces tyrosine, which is neutral and polar, with phenylalanine, which is neutral and non-polar, at codon 341 of the CLN5 protein (p.Tyr341Phe).

NM_006493.4(CLN5):c.875A>T (p.Tyr292Phe)

Gene: CLN5 (CLN5 lysosomal BMP synthase; plus strand). Cytogenetic location: 13q22.3.
Variant type: single nucleotide variant.
Coding change: c.875A>T on transcript NM_006493.4 (MANE Select); coding-DNA position 875, A replaced by T.
Protein change: p.Tyr292Phe; replaces tyrosine 292 with phenylalanine.
Molecular consequence: missense variant. On other transcripts: 3 prime UTR variant (1).
Genome position (GRCh38, 1-based): chr13:77,000,767, A>T. VCF-style: chr13-77000767-A-T. GRCh37 (hg19) VCF-style: chr13-77574902-A-T.
Other names: c.*324A>T (NM_001366624.2); short protein forms Y292F, Y341F.
Identifiers: ClinVar variation 1936370 (VCV001936370.5), dbSNP rs2034346959, ClinGen allele CA388313919.
Genomic context (GRCh38, chr13:77,000,767, plus strand): 5'-AAACATCTGTTTTTGGGCCAACAGGAAACAAGACTCTTGGTTTAGCCATAAAAAGATTTT[A>T]TTACCCCTTCAAACCACATTTGCCAACTAAAGAATTTCTGTTGAGTCTCTTGCAAATTTT-3'
Protein context (NP_006484.2, residues 282-302): KTLGLAIKRF[Tyr292Phe]YPFKPHLPTK